The following is an entry in ClinVar:

ClinVar aggregate classification (germline): Uncertain significance (1 of 4 stars; one submission).

Allele frequency attached by ClinVar (database versions not stated): TOPMed below 0.00001; gnomAD 0.00001.
gnomAD v4.1: 1 of 1,613,984 alleles (0.000062%); highest among the groups gnomAD compares: Non-Finnish European, 0.000085%; no homozygotes.

Submission:

Labcorp Genetics (formerly Invitae), Labcorp
Classification: Uncertain significance. Last evaluated: 2024-07-17. Review status: criteria provided, single submitter. Criteria: Invitae Variant Classification Sherloc (09022015). Collection method: clinical testing. Allele origin: germline.
Comment: This sequence change replaces isoleucine, which is neutral and non-polar, with methionine, which is neutral and non-polar, at codon 324 of the WFS1 protein (p.Ile324Met). This variant is not present in population databases (gnomAD no frequency). This missense change has been observed in individual(s) with deafness (PMID: 32279305). ClinVar contains an entry for this variant (Variation ID: 1364719). Advanced modeling of protein sequence and biophysical properties (such as structural, functional, and spatial information, amino acid conservation, physicochemical variation, residue mobility, and thermodynamic stability) performed at Invitae indicates that this missense variant is not expected to disrupt WFS1 protein function with a negative predictive value of 95%. In summary, the available evidence is currently insufficient to determine the role of this variant in disease. Therefore, it has been classified as a Variant of Uncertain Significance.

Literature cited by the submitters: PubMed 32279305.

NM_006005.3(WFS1):c.972C>G (p.Ile324Met)

Gene: WFS1 (wolframin ER transmembrane glycoprotein; plus strand). Cytogenetic location: 4p16.1.
Variant type: single nucleotide variant.
Coding change: c.972C>G on transcript NM_006005.3 (MANE Select); coding-DNA position 972, C replaced by G.
Protein change: p.Ile324Met; replaces isoleucine 324 with methionine.
Molecular consequence: missense variant.
Genome position (GRCh38, 1-based): chr4:6,300,767, C>G. VCF-style: chr4-6300767-C-G. GRCh37 (hg19) VCF-style: chr4-6302494-C-G.
Other names: c.972C>G, p.Ile324Met (NM_001145853.1); short protein forms I324M.
Identifiers: ClinVar variation 1364719 (VCV001364719.8), dbSNP rs1456248851, ClinGen allele CA356173990.